The following is an entry in ClinVar:

NM_000089.4(COL1A2):c.1252-23G>T

Gene: COL1A2 (collagen type I alpha 2 chain; plus strand). Cytogenetic location: 7q21.3.
Variant type: single nucleotide variant.
Coding change: c.1252-23G>T on transcript NM_000089.4 (MANE Select); 23 bases into the intron before coding-DNA position 1252, G replaced by T.
Molecular consequence: intron variant.
Genome position (GRCh38, 1-based): chr7:94,411,033, G>T. VCF-style: chr7-94411033-G-T. GRCh37 (hg19) VCF-style: chr7-94040345-G-T.
Identifiers: ClinVar variation 3352665 (VCV003352665.1).

ClinVar aggregate classification (germline): Likely benign (0 of 4 stars; one submission).

Conditions:
COL1A2-related disorder. Also called: COL1A2-Related Disorders; COL1A2-related condition.

gnomAD v4.1: 219 of 1,446,152 alleles (0.015%); highest among the groups gnomAD compares: Non-Finnish European, 0.018%; no homozygotes.

Submission:

PreventionGenetics, part of Exact Sciences
Classification: Likely benign for COL1A2-related condition. Last evaluated: 2024-03-29. Review status: no assertion criteria provided. Collection method: clinical testing. Allele origin: germline.
Comment: This variant is classified as likely benign based on ACMG/AMP sequence variant interpretation guidelines (Richards et al. 2015 PMID: 25741868, with internal and published modifications).